The following is an entry in ClinVar:

NM_025137.4(SPG11):c.3677C>G (p.Pro1226Arg)

Gene: SPG11 (SPG11 vesicle trafficking associated, spatacsin; minus strand). Cytogenetic location: 15q21.1.
Variant type: single nucleotide variant.
Coding change: c.3677C>G on transcript NM_025137.4 (MANE Select); coding-DNA position 3677, C replaced by G.
Protein change: p.Pro1226Arg; replaces proline 1226 with arginine.
Molecular consequence: missense variant.
Genome position (GRCh38, 1-based): chr15:44,600,476, G>C on the plus strand (C>G on the coding strand, the complement: SPG11 is on the minus strand). VCF-style: chr15-44600476-G-C. GRCh37 (hg19) VCF-style: chr15-44892674-G-C.
Other names: c.3677C>G, p.Pro1226Arg (NM_001160227.2); short protein forms P1226R.
Identifiers: ClinVar variation 581969 (VCV000581969.7), dbSNP rs1478064859, ClinGen allele CA392231036.

ClinVar aggregate classification (germline): Uncertain significance. Review status: criteria provided, multiple submitters, no conflicts (2 of 4 stars). 2 submissions from 2 submitters: Uncertain significance (2). Last evaluated 2025-12-10.

Conditions:
Inborn genetic diseases. Identifiers: MedGen C0950123, MeSH D030342.
Hereditary spastic paraplegia 11. Also called: Spastic paraplegia, mental retardation and thin corpus callosum; SPASTIC PARAPLEGIA, AUTOSOMAL RECESSIVE, COMPLICATED, WITH THIN CORPUS CALLOSUM; SPASTIC PARAPLEGIA, AUTOSOMAL RECESSIVE, WITH MENTAL IMPAIRMENT AND THIN CORPUS CALLOSUM; Spastic Paraplegia 11; Nakamura Osame syndrome; Autosomal recessive hereditary spastic paraplegia, mental impairment, and thin corpus callosum. Identifiers: Orphanet 2822, MedGen C1858479, MONDO:0011445, OMIM 604360.

Allele frequency attached by ClinVar (database versions not stated): TOPMed 0.00002.
gnomAD v4.1: 11 of 1,613,754 alleles (0.00068%); highest among the groups gnomAD compares: Non-Finnish European, 0.00076%; no homozygotes.

Submissions (2):

Ambry Genetics
Classification: Uncertain significance for Inborn genetic diseases. Last evaluated: 2025-12-10. Review status: criteria provided, single submitter. Criteria: Ambry Variant Classification Scheme 2023. Collection method: clinical testing. Allele origin: germline.

Labcorp Genetics (formerly Invitae), Labcorp
Classification: Uncertain significance for Hereditary spastic paraplegia 11. Last evaluated: 2021-09-01. Review status: criteria provided, single submitter. Criteria: Invitae Variant Classification Sherloc (09022015). Collection method: clinical testing. Allele origin: germline.
Comment: This sequence change replaces proline with arginine at codon 1226 of the SPG11 protein (p.Pro1226Arg). The proline residue is highly conserved and there is a moderate physicochemical difference between proline and arginine. This variant is not present in population databases (ExAC no frequency). This variant has not been reported in the literature in individuals affected with SPG11-related conditions. Algorithms developed to predict the effect of missense changes on protein structure and function are either unavailable or do not agree on the potential impact of this missense change (SIFT: "Deleterious"; PolyPhen-2: "Benign"; Align-GVGD: "Class C0"). In summary, the available evidence is currently insufficient to determine the role of this variant in disease. Therefore, it has been classified as a Variant of Uncertain Significance.